The following is an entry in ClinVar:

ClinVar aggregate classification (germline): Likely benign. Review status: criteria provided, single submitter (1 of 4 stars). 2 submissions from 2 submitters: Likely benign (1). 1 of the submissions does not count toward it. Last evaluated 2019-08-24.

Conditions:
BBIP1-related disorder. Also called: BBIP1-related condition.

Allele frequency attached by ClinVar (database versions not stated): gnomAD 0.00002; TOPMed 0.00002.
gnomAD v4.1: 4 of 1,534,920 alleles (0.00026%); highest among the groups gnomAD compares: Admixed American, 0.0059%; no homozygotes.

Submissions (2):

Labcorp Genetics (formerly Invitae), Labcorp
Classification: Likely benign. Last evaluated: 2019-08-24. Review status: criteria provided, single submitter. Criteria: Invitae Variant Classification Sherloc (09022015). Collection method: clinical testing. Allele origin: germline.

PreventionGenetics, part of Exact Sciences
Classification: Likely benign for BBIP1-related condition. Last evaluated: 2022-09-11. Review status: no assertion criteria provided. Collection method: clinical testing. Allele origin: germline. Not counted in ClinVar's aggregate classification.
Comment: This variant is classified as likely benign based on ACMG/AMP sequence variant interpretation guidelines (Richards et al. 2015 PMID: 25741868, with internal and published modifications).

NM_001195305.3(BBIP1):c.261A>G (p.Gln87=)

Gene: BBIP1 (BBSome interacting protein 1; minus strand). Cytogenetic location: 10q25.2.
Variant type: single nucleotide variant.
Coding change: c.261A>G on transcript NM_001195305.3 (MANE Select); coding-DNA position 261, A replaced by G.
Protein change: p.Gln87=; no amino-acid change (glutamine 87 retained).
Molecular consequence: synonymous variant. On other transcripts: 3 prime UTR variant (1).
Genome position (GRCh38, 1-based): chr10:110,900,378, T>C on the plus strand (A>G on the coding strand, the complement: BBIP1 is on the minus strand). VCF-style: chr10-110900378-T-C. GRCh37 (hg19) VCF-style: chr10-112660136-T-C.
Other names: c.*106A>G (NM_001195304.2); c.261A>G, p.Gln87= (NM_001195306.2); c.186A>G, p.Gln62= (NM_001195307.2); c.195A>G, p.Gln65= (NM_001243783.3); c.261A>G (NM_001195306.1).
Identifiers: ClinVar variation 1162049 (VCV001162049.10), dbSNP rs1287400396, ClinGen allele CA595730017.
Genomic context (GRCh38, chr10:110,900,378, plus strand): 5'-AGTAGATAAGGCAGGTTGTTCCCTAAAGTGCTCAGTTATCATTCAGTGGGTTATTTGCCG[T>C]TGATCCTTTTCTGCCATTTCTTGTTGGCGAATTGTATTCTGTGCTGCTTGATGCATTTTC-3'
Protein context (NP_001182234.1, residues 77-92): IRQQEMAEKD[Gln87=]RQITH